The following is an entry in ClinVar:

ClinVar aggregate classification (germline): Uncertain significance. Review status: criteria provided, multiple submitters, no conflicts (2 of 4 stars). 7 submissions from 7 submitters: Uncertain significance (5). 2 of the submissions do not count toward it. Last evaluated 2025-03-18.

Conditions:
Inborn genetic diseases. Identifiers: MedGen C0950123, MeSH D030342.
Autosomal recessive ataxia, Beauce type. Also called: Spinocerebellar ataxia, autosomal recessive 8; ATAXIA, RECESSIVE, OF BEAUCE; SYNE1-Related Autosomal Recessive Cerebellar Ataxia; SYNE1 Deficiency. Identifiers: Orphanet 88644, MedGen C1853116, MONDO:0012549, OMIM 610743.
Emery-Dreifuss muscular dystrophy 4, autosomal dominant (EDMD4). Also called: EMERY-DREIFUSS MUSCULAR DYSTROPHY 4 WITH VARIABLE FEATURES. Identifiers: Orphanet 261, MedGen C2751807, MONDO:0013071, OMIM 612998.

Allele frequency attached by ClinVar (database versions not stated): ExAC 0.00012; TOPMed 0.00013; gnomAD 0.00014 and 0.00015; 1000 Genomes Project 30x 0.00016; ESP Exome Variant Server 0.00023.
gnomAD v4.1: 813 of 1,614,134 alleles (0.05%); highest among the groups gnomAD compares: Non-Finnish European, 0.068%; no homozygotes.

Submissions (7):

Revvity Omics, Revvity
Classification: Uncertain significance. Last evaluated: 2025-03-18. Review status: criteria provided, single submitter. Criteria: ACMG Guidelines, 2015. Collection method: clinical testing. Allele origin: germline.

Labcorp Genetics (formerly Invitae), Labcorp
Classification: Uncertain significance for Emery-Dreifuss muscular dystrophy 4, autosomal dominant; Autosomal recessive ataxia, Beauce type. Last evaluated: 2024-10-21. Review status: criteria provided, single submitter. Criteria: Invitae Variant Classification Sherloc (09022015). Collection method: clinical testing. Allele origin: germline.
Comment: This sequence change replaces tyrosine, which is neutral and polar, with cysteine, which is neutral and slightly polar, at codon 7670 of the SYNE1 protein (p.Tyr7670Cys). This variant is present in population databases (rs34974663, gnomAD 0.03%). This variant has not been reported in the literature in individuals affected with SYNE1-related conditions. ClinVar contains an entry for this variant (Variation ID: 281134). An algorithm developed to predict the effect of missense changes on protein structure and function (PolyPhen-2) suggests that this variant¬¨‚Ä†is likely to be tolerated. In summary, the available evidence is currently insufficient to determine the role of this variant in disease. Therefore, it has been classified as a Variant of Uncertain Significance.

Athena Diagnostics
Classification: Uncertain significance. Last evaluated: 2021-09-23. Review status: criteria provided, single submitter. Criteria: Athena Diagnostics Criteria. Collection method: clinical testing. Allele origin: unknown.

Ambry Genetics
Classification: Uncertain significance for Inborn genetic diseases. Last evaluated: 2021-07-14. Review status: criteria provided, single submitter. Criteria: Ambry Variant Classification Scheme 2023. Collection method: clinical testing. Allele origin: germline.

Eurofins Ntd Llc (ga)
Classification: Uncertain significance. Last evaluated: 2017-07-03. Review status: criteria provided, single submitter. Criteria: EGL Classification Definitions 2015. Collection method: clinical testing. Allele origin: germline. Observed: 5 variant alleles, 5 heterozygotes.

Clinical Genetics, Academic Medical Center
Classification: Uncertain significance. Review status: no assertion criteria provided. Collection method: clinical testing. Allele origin: germline. Affected: yes. Study: VKGL Data-share Consensus. Not counted in ClinVar's aggregate classification.

Genome Diagnostics Laboratory, Amsterdam University Medical Center
Classification: Uncertain significance. Review status: no assertion criteria provided. Collection method: clinical testing. Allele origin: germline. Affected: yes. Study: VKGL Data-share Consensus. Not counted in ClinVar's aggregate classification.

NM_182961.4(SYNE1):c.23222A>G (p.Tyr7741Cys)

Gene: SYNE1 (spectrin repeat containing nuclear envelope protein 1; minus strand). Cytogenetic location: 6q25.2.
Variant type: single nucleotide variant.
Coding change: c.23222A>G on transcript NM_182961.4 (MANE Select); coding-DNA position 23222, A replaced by G.
Protein change: p.Tyr7741Cys; replaces tyrosine 7741 with cysteine.
Molecular consequence: missense variant.
Genome position (GRCh38, 1-based): chr6:152,189,331, T>C on the plus strand (A>G on the coding strand, the complement: SYNE1 is on the minus strand). VCF-style: chr6-152189331-T-C. GRCh37 (hg19) VCF-style: chr6-152510466-T-C.
Other names: c.23009A>G, p.Tyr7670Cys (NM_033071.5); short protein forms Y7670C, Y7741C.
Identifiers: ClinVar variation 281134 (VCV000281134.23), dbSNP rs34974663, ClinGen allele CA4053660.